The following is an entry in ClinVar:

ClinVar aggregate classification (germline): Conflicting classifications of pathogenicity. Review status: criteria provided, conflicting classifications (1 of 4 stars). 3 submissions from 3 submitters: Uncertain significance (2); Likely benign (1). Last evaluated 2023-03-23.

Conditions:
Hereditary breast ovarian cancer syndrome. Also called: Hereditary breast and ovarian cancer syndrome; BRCA1- and BRCA2-Associated Hereditary Breast and Ovarian Cancer; Breast and ovarian cancer; Hereditary breast and/or ovarian cancer syndrome; Hereditary breast and ovarian cancer; Hereditary breast and ovarian cancer syndrome (HBOC). Identifiers: Orphanet 145, MedGen C0677776, MeSH D061325, MONDO:0003582. Disease mechanism: loss of function.
Hereditary cancer-predisposing syndrome. Also called: Neoplastic Syndromes, Hereditary; Tumor predisposition; Hereditary Cancer Syndrome; Hereditary neoplastic syndrome. Identifiers: Orphanet 140162, MedGen C0027672, MeSH D009386, MONDO:0015356.

Submissions (3):

University of Washington Department of Laboratory Medicine, University of Washington
Classification: Likely benign for Hereditary cancer-predisposing syndrome. Last evaluated: 2023-03-23. Review status: criteria provided, single submitter. Criteria: Dines et al. (Genet Med. 2020). Collection method: curation. Allele origin: germline.
Comment: Missense variant in a coldspot region where missense variants are very unlikely to be pathogenic (PMID:31911673).

BRCA2 exon 11 coldspot. Reclassification based on statistical prior probability.

Labcorp Genetics (formerly Invitae), Labcorp
Classification: Uncertain significance for Hereditary breast ovarian cancer syndrome. Last evaluated: 2022-09-09. Review status: criteria provided, single submitter. Criteria: Invitae Variant Classification Sherloc (09022015). Collection method: clinical testing. Allele origin: germline.
Comment: In summary, the available evidence is currently insufficient to determine the role of this variant in disease. Therefore, it has been classified as a Variant of Uncertain Significance. Advanced modeling of protein sequence and biophysical properties (such as structural, functional, and spatial information, amino acid conservation, physicochemical variation, residue mobility, and thermodynamic stability) performed at Invitae indicates that this missense variant is not expected to disrupt BRCA2 protein function. ClinVar contains an entry for this variant (Variation ID: 233439). This variant has not been reported in the literature in individuals affected with BRCA2-related conditions. This variant is not present in population databases (gnomAD no frequency). This sequence change replaces asparagine, which is neutral and polar, with tyrosine, which is neutral and polar, at codon 986 of the BRCA2 protein (p.Asn986Tyr).

Ambry Genetics
Classification: Uncertain significance for Hereditary cancer-predisposing syndrome. Last evaluated: 2016-06-17. Review status: criteria provided, single submitter. Criteria: Ambry Variant Classification Scheme 2023. Collection method: clinical testing. Allele origin: germline.
Comment: The p.N986Y variant (also known as c.2956A>T), located in coding exon 10 of the BRCA2 gene, results from an A to T substitution at nucleotide position 2956. The asparagine at codon 986 is replaced by tyrosine, an amino acid with dissimilar properties. This variant was not reported in population based cohorts in the following databases: Database of Single Nucleotide Polymorphisms (dbSNP), NHLBI Exome Sequencing Project (ESP), and 1000 Genomes Project. In the ESP, this variant was not observed in 6496 samples (12992 alleles) with coverage at this position. To date, this alteration has been detected with an allele frequency of approximately 0.0007% (greater than 300000 alleles tested) in our clinical cohort. This amino acid position is not well conserved in available vertebrate species. In addition, this alteration is predicted to be tolerated by in silico analysis. Since supporting evidence is limited at this time, the clinical significance of p.N986Y remains unclear.

NM_000059.4(BRCA2):c.2956A>T (p.Asn986Tyr)

Gene: BRCA2 (BRCA2 DNA repair associated; plus strand). Cytogenetic location: 13q13.1.
Variant type: single nucleotide variant.
Coding change: c.2956A>T on transcript NM_000059.4 (MANE Select); coding-DNA position 2956, A replaced by T.
Protein change: p.Asn986Tyr; replaces asparagine 986 with tyrosine.
Molecular consequence: missense variant.
Genome position (GRCh38, 1-based): chr13:32,337,311, A>T. VCF-style: chr13-32337311-A-T. GRCh37 (hg19) VCF-style: chr13-32911448-A-T.
Other names: short protein forms N986Y.
Identifiers: ClinVar variation 233439 (VCV000233439.12), dbSNP rs760142268, ClinGen allele CA10579557.